The following is an entry in ClinVar:

ClinVar aggregate classification (germline): Uncertain significance. Review status: criteria provided, multiple submitters, no conflicts (2 of 4 stars). 2 submissions from 2 submitters: Uncertain significance (2). Last evaluated 2024-04-06.

Conditions:
Inborn genetic diseases. Identifiers: MedGen C0950123, MeSH D030342.

Allele frequency attached by ClinVar (database versions not stated): gnomAD 0.00009; gnomAD exomes 0.00010; TOPMed 0.00011; ExAC 0.00016.
gnomAD v4.1: 155 of 1,611,388 alleles (0.0096%); highest among the groups gnomAD compares: Non-Finnish European, 0.013%; no homozygotes.

Submissions (3):

Ambry Genetics
Classification: Uncertain significance for Inborn genetic diseases. Last evaluated: 2024-04-06. Review status: criteria provided, single submitter. Criteria: Ambry Variant Classification Scheme 2023. Collection method: clinical testing. Allele origin: germline.

Labcorp Genetics (formerly Invitae), Labcorp
Classification: Uncertain significance. Last evaluated: 2022-08-12. Review status: criteria provided, single submitter. Criteria: Invitae Variant Classification Sherloc (09022015). Collection method: clinical testing. Allele origin: germline.
Comment: This sequence change replaces serine, which is neutral and polar, with arginine, which is basic and polar, at codon 903 of the TAF2 protein (p.Ser903Arg). This variant is present in population databases (rs137940227, gnomAD 0.03%). This variant has not been reported in the literature in individuals affected with TAF2-related conditions. Algorithms developed to predict the effect of missense changes on protein structure and function (SIFT, PolyPhen-2, Align-GVGD) all suggest that this variant is likely to be tolerated. In summary, the available evidence is currently insufficient to determine the role of this variant in disease. Therefore, it has been classified as a Variant of Uncertain Significance.

Dr. Peter K. Rogan Lab, Western University
No classification provided (evidence only). Condition: Thyroid cancer, nonmedullary, 1. Review status: no classification provided. Collection method: in vitro. Allele origin: not applicable. Functional consequence: retained intron. Not counted in ClinVar's aggregate classification.

NM_003184.4(TAF2):c.2709T>G (p.Ser903Arg)

Gene: TAF2 (TATA-box binding protein associated factor 2; minus strand). Cytogenetic location: 8q24.12.
Variant type: single nucleotide variant.
Coding change: c.2709T>G on transcript NM_003184.4 (MANE Select); coding-DNA position 2709, T replaced by G.
Protein change: p.Ser903Arg; replaces serine 903 with arginine.
Molecular consequence: missense variant.
Genome position (GRCh38, 1-based): chr8:119,758,132, A>C on the plus strand (T>G on the coding strand, the complement: TAF2 is on the minus strand). VCF-style: chr8-119758132-A-C. GRCh37 (hg19) VCF-style: chr8-120770372-A-C.
Other names: c.2709T>G (NM_003184.3); short protein forms S903R.
Identifiers: ClinVar variation 2170848 (VCV002170848.6), dbSNP rs137940227, ClinGen allele CA4856990.